The following is an entry in ClinVar:

ClinVar aggregate classification (germline): Uncertain significance (1 of 4 stars; one submission).

Allele frequency attached by ClinVar (database versions not stated): gnomAD exomes below 0.00001.
gnomAD v4.1: 2 of 1,613,212 alleles (0.00012%); highest among the groups gnomAD compares: Non-Finnish European, 0.00017%; no homozygotes.

Submission:

Labcorp Genetics (formerly Invitae), Labcorp
Classification: Uncertain significance. Last evaluated: 2021-09-29. Review status: criteria provided, single submitter. Criteria: Invitae Variant Classification Sherloc (09022015). Collection method: clinical testing. Allele origin: germline.
Comment: This sequence change replaces lysine with glutamic acid at codon 779 of the KIF21B protein (p.Lys779Glu). The lysine residue is highly conserved and there is a small physicochemical difference between lysine and glutamic acid. This variant is not present in population databases (ExAC no frequency). This variant has not been reported in the literature in individuals affected with KIF21B-related conditions. Algorithms developed to predict the effect of missense changes on protein structure and function (SIFT, PolyPhen-2, Align-GVGD) all suggest that this variant is likely to be disruptive. In summary, the available evidence is currently insufficient to determine the role of this variant in disease. Therefore, it has been classified as a Variant of Uncertain Significance.

NM_001252102.2(KIF21B):c.2335A>G (p.Lys779Glu)

Gene: KIF21B (kinesin family member 21B; minus strand). Cytogenetic location: 1q32.1.
Variant type: single nucleotide variant.
Coding change: c.2335A>G on transcript NM_001252102.2 (MANE Select); coding-DNA position 2335, A replaced by G.
Protein change: p.Lys779Glu; replaces lysine 779 with glutamic acid.
Molecular consequence: missense variant.
Genome position (GRCh38, 1-based): chr1:200,992,332, T>C on the plus strand (A>G on the coding strand, the complement: KIF21B is on the minus strand). VCF-style: chr1-200992332-T-C. GRCh37 (hg19) VCF-style: chr1-200961460-T-C.
Other names: c.2335A>G, p.Lys779Glu (NM_001252100.2, NM_001252103.2, NM_017596.4); short protein forms K779E.
Identifiers: ClinVar variation 1418389 (VCV001418389.1), dbSNP rs2102415502, ClinGen allele CA344141167.